The following is an entry in ClinVar:

ClinVar aggregate classification (germline): Uncertain significance (1 of 4 stars; one submission).

Submission:

Ambry Genetics
Classification: Uncertain significance. Last evaluated: 2026-03-03. Review status: criteria provided, single submitter. Criteria: Ambry Variant Classification Scheme 2023. Collection method: clinical testing. Allele origin: germline.
Comment: The p.P1614R variant (also known as c.4841C>G), located in coding exon 43 of the KIF1B gene, results from a C to G substitution at nucleotide position 4841. The proline at codon 1614 is replaced by arginine, an amino acid with dissimilar properties. This amino acid position is conserved. In addition, the in silico prediction for this alteration is inconclusive. Based on the available evidence, the clinical significance of this variant remains unclear.

NM_001365951.3(KIF1B):c.4979C>G (p.Pro1660Arg)

Gene: KIF1B (kinesin family member 1B; plus strand). Cytogenetic location: 1p36.22.
Variant type: single nucleotide variant.
Coding change: c.4979C>G on transcript NM_001365951.3 (MANE Select); coding-DNA position 4979, C replaced by G.
Protein change: p.Pro1660Arg; replaces proline 1660 with arginine.
Molecular consequence: missense variant.
Genome position (GRCh38, 1-based): chr1:10,374,348, C>G. VCF-style: chr1-10374348-C-G. GRCh37 (hg19) VCF-style: chr1-10434406-C-G.
Other names: c.4979C>G, p.Pro1660Arg (NM_001365952.1); c.4841C>G, p.Pro1614Arg (NM_015074.3); short protein forms P1614R, P1660R.
Identifiers: ClinVar variation 4826092 (VCV004826092.1).